The following is an entry in ClinVar:

ClinVar aggregate classification (germline): Uncertain significance (1 of 4 stars; one submission).

Conditions:
Neuropathy, hereditary sensory, type 2C. Also called: KIF1A-Related HSAN2 (HSAN2C); Hereditary sensory and autonomic neuropathy type IIC. Identifiers: Orphanet 970, MedGen C3280168, MONDO:0013634, OMIM 614213.
Intellectual disability, autosomal dominant 9 (NESCAVS). Also called: NESCAV SYNDROME; KIF1A-Related Neurodevelopmental Disorder. Identifiers: Orphanet 662367, MedGen C5393830, MONDO:0013656, OMIM 614255.
Hereditary spastic paraplegia 30. Identifiers: Orphanet 101010, MedGen C5235139, MONDO:0012476.

Allele frequency attached by ClinVar (database versions not stated): TOPMed 0.00001.

Submission:

Labcorp Genetics (formerly Invitae), Labcorp
Classification: Uncertain significance for Hereditary spastic paraplegia 30; Neuropathy, hereditary sensory, type 2C; Intellectual disability, autosomal dominant 9. Last evaluated: 2022-08-01. Review status: criteria provided, single submitter. Criteria: Invitae Variant Classification Sherloc (09022015). Collection method: clinical testing. Allele origin: germline.
Comment: This sequence change replaces aspartic acid, which is acidic and polar, with glycine, which is neutral and non-polar, at codon 1286 of the KIF1A protein (p.Asp1286Gly). This variant is not present in population databases (gnomAD no frequency). This variant has not been reported in the literature in individuals affected with KIF1A-related conditions. ClinVar contains an entry for this variant (Variation ID: 653873). Advanced modeling of protein sequence and biophysical properties (such as structural, functional, and spatial information, amino acid conservation, physicochemical variation, residue mobility, and thermodynamic stability) performed at Invitae indicates that this missense variant is not expected to disrupt KIF1A protein function. In summary, the available evidence is currently insufficient to determine the role of this variant in disease. Therefore, it has been classified as a Variant of Uncertain Significance.

NM_001244008.2(KIF1A):c.4160A>G (p.Asp1387Gly)

Gene: KIF1A (kinesin family member 1A; minus strand). Cytogenetic location: 2q37.3.
Variant type: single nucleotide variant.
Coding change: c.4160A>G on transcript NM_001244008.2 (MANE Select); coding-DNA position 4160, A replaced by G.
Protein change: p.Asp1387Gly; replaces aspartic acid 1387 with glycine.
Molecular consequence: missense variant.
Genome position (GRCh38, 1-based): chr2:240,725,367, T>C on the plus strand (A>G on the coding strand, the complement: KIF1A is on the minus strand). VCF-style: chr2-240725367-T-C. GRCh37 (hg19) VCF-style: chr2-241664784-T-C.
Other names: c.3884A>G, p.Asp1295Gly (NM_001320705.2, NM_001379649.1); c.3911A>G, p.Asp1304Gly (NM_001330289.2); c.3959A>G, p.Asp1320Gly (NM_001330290.2, NM_001379648.1); c.4235A>G, p.Asp1412Gly (NM_001379631.1); c.4136A>G, p.Asp1379Gly (NM_001379632.1); c.4133A>G, p.Asp1378Gly (NM_001379633.1, NM_001379645.1); c.3986A>G, p.Asp1329Gly (NM_001379634.1); c.3983A>G, p.Asp1328Gly (NM_001379635.1, NM_001379646.1); and 7 more; short protein forms D1295G, D1387G, D1320G, D1304G, D1286G, D1285G, D1294G, D1303G.
Identifiers: ClinVar variation 653873 (VCV000653873.9), dbSNP rs1575525452, ClinGen allele CA351307634.
Genomic context (GRCh38, chr2:240,725,367, plus strand): 5'-TTGCGGATGGAGCGCGAGGCTGGCAGCTTGGCATCACGGGAATAGAAGACCATGCAGAAG[T>C]CCTTGGTGACAACAGCCGGCTGGGTGCAGTTCTCCATCTGAGATAGGCGGGAGCAGGACT-3'
Protein context (NP_001230937.1, residues 1377-1397): NCTQPAVVTK[Asp1387Gly]FCMVFYSRDA